The following is an entry in ClinVar:

ClinVar aggregate classification (germline): Pathogenic/Likely pathogenic. Review status: criteria provided, multiple submitters, no conflicts (2 of 4 stars). 2 submissions from 2 submitters: Pathogenic (1); Likely pathogenic (1). Last evaluated 2023-12-30.

Conditions:
Iodotyrosyl coupling defect (TDH3). Also called: HYPOTHYROIDISM, CONGENITAL, DUE TO DYSHORMONOGENESIS, 3; THYROID HORMONOGENESIS, GENETIC DEFECT IN, 3. Identifiers: Orphanet 95716, MedGen C0342194, MONDO:0010135, OMIM 274700.
Autoimmune thyroid disease, susceptibility to, 3. Identifiers: MedGen C1842444, MONDO:0011982, OMIM 608175.

Submissions (2):

Fulgent Genetics
Classification: Likely pathogenic for Iodotyrosyl coupling defect; Autoimmune thyroid disease, susceptibility to, 3. Last evaluated: 2023-12-30. Review status: criteria provided, single submitter. Criteria: ACMG Guidelines, 2015. Collection method: clinical testing. Allele origin: germline.

Labcorp Genetics (formerly Invitae), Labcorp
Classification: Pathogenic. Last evaluated: 2023-04-22. Review status: criteria provided, single submitter. Criteria: Invitae Variant Classification Sherloc (09022015). Collection method: clinical testing. Allele origin: germline.
Comment: For these reasons, this variant has been classified as Pathogenic. This sequence change creates a premature translational stop signal (p.Cys1077*) in the TG gene. It is expected to result in an absent or disrupted protein product. Loss-of-function variants in TG are known to be pathogenic (PMID: 19837936, 23164529). This variant is not present in population databases (gnomAD no frequency). This variant has not been reported in the literature in individuals affected with TG-related conditions.

Literature cited by the submitters: PubMed 19837936 (cited by Labcorp Genetics (formerly Invitae), Labcorp); PubMed 23164529 (cited by Labcorp Genetics (formerly Invitae), Labcorp).

NM_003235.5(TG):c.3231C>A (p.Cys1077Ter)

Gene: TG (thyroglobulin; plus strand). Cytogenetic location: 8q24.22.
Variant type: single nucleotide variant.
Coding change: c.3231C>A on transcript NM_003235.5 (MANE Select); coding-DNA position 3231, C replaced by A.
Protein change: p.Cys1077Ter; replaces cysteine 1077 with a stop codon.
Molecular consequence: nonsense.
Genome position (GRCh38, 1-based): chr8:132,898,811, C>A. VCF-style: chr8-132898811-C-A. GRCh37 (hg19) VCF-style: chr8-133911056-C-A.
Other names: short protein forms C1077*.
Identifiers: ClinVar variation 2834805 (VCV002834805.4), dbSNP rs142308887, ClinGen allele CA372240966.